The following is an entry in ClinVar:

NM_000548.5(TSC2):c.2030C>T (p.Pro677Leu)

Gene: TSC2 (TSC complex subunit 2; plus strand). Cytogenetic location: 16p13.3.
Variant type: single nucleotide variant.
Coding change: c.2030C>T on transcript NM_000548.5 (MANE Select); coding-DNA position 2030, C replaced by T.
Protein change: p.Pro677Leu; replaces proline 677 with leucine.
Molecular consequence: missense variant.
Genome position (GRCh38, 1-based): chr16:2,071,867, C>T. VCF-style: chr16-2071867-C-T. GRCh37 (hg19) VCF-style: chr16-2121868-C-T.
Other names: c.2030C>T, p.Pro677Leu (NM_001077183.3, NM_001114382.3, NM_001363528.2 and 3 more transcripts); c.1919C>T, p.Pro640Leu (NM_001318827.2); c.1883C>T, p.Pro628Leu (NM_001318829.2); c.1430C>T, p.Pro477Leu (NM_001318831.2); c.2063C>T, p.Pro688Leu (NM_001318832.2); short protein forms P677L, P628L, P640L, P477L, P688L.
Identifiers: ClinVar variation 384076 (VCV000384076.20), dbSNP rs376974525, ClinGen allele CA035873.

ClinVar aggregate classification (germline): Conflicting classifications of pathogenicity. Review status: criteria provided, conflicting classifications (1 of 4 stars). 7 submissions from 7 submitters: Uncertain significance (3); Benign (1); Likely benign (3). Last evaluated 2025-10-26.

Conditions:
Hereditary cancer-predisposing syndrome. Also called: Neoplastic Syndromes, Hereditary; Hereditary neoplastic syndrome; Tumor predisposition; Hereditary Cancer Syndrome. Identifiers: Orphanet 140162, MedGen C0027672, MeSH D009386, MONDO:0015356.
Lymphangiomyomatosis (LAM). Also called: Lymphangioleiomyomatosis, somatic; Lymphangioleiomyomatosis. Identifiers: Orphanet 538, MedGen C0751674, MONDO:0011705, OMIM 606690.
Tuberous sclerosis 2 (TSC2). Identifiers: Orphanet 805, MedGen C1860707, MONDO:0013199, OMIM 613254.
Isolated focal cortical dysplasia type II (FCORD2). Also called: CORTICAL DYSPLASIA OF TAYLOR; Focal cortical dysplasia type II. Identifiers: Orphanet 268994, MedGen C1846385, MONDO:0011818, OMIM 607341, HP:0032051.
Tuberous sclerosis syndrome (TSC). Also called: Tuberous sclerosis; Tuberous Sclerosis Complex. Identifiers: Orphanet 805, MedGen C0041341, MONDO:0001734.

Allele frequency attached by ClinVar (database versions not stated): gnomAD exomes below 0.00001 and 0.00001; gnomAD 0.00001; TOPMed 0.00001; ExAC 0.00002; ESP Exome Variant Server 0.00008.
gnomAD v4.1: 10 of 1,592,148 alleles (0.00063%); highest among the groups gnomAD compares: Middle Eastern, 0.017%; no homozygotes.

Submissions (7):

Labcorp Genetics (formerly Invitae), Labcorp
Classification: Benign for Tuberous sclerosis 2. Last evaluated: 2025-10-26. Review status: criteria provided, single submitter. Criteria: Invitae Variant Classification Sherloc (09022015). Collection method: clinical testing. Allele origin: germline.

Color Diagnostics, LLC DBA Color Health
Classification: Uncertain significance for Tuberous sclerosis syndrome. Last evaluated: 2024-03-06. Review status: criteria provided, single submitter. Criteria: ACMG Guidelines, 2015. Collection method: clinical testing. Allele origin: germline.
Comment: This missense variant replaces proline with leucine at codon 677 of the TSC2 protein. Computational prediction suggests that this variant may not impact protein structure and function. To our knowledge, functional studies have not been reported for this variant. This variant has not been reported in individuals affected with TSC2-related disorders in the literature. This variant has been identified in 1/207326 chromosomes in the general population by the Genome Aggregation Database (gnomAD). The available evidence is insufficient to determine the role of this variant in disease conclusively. Therefore, this variant is classified as a Variant of Uncertain Significance.

Fulgent Genetics
Classification: Uncertain significance for Lymphangiomyomatosis; Isolated focal cortical dysplasia type II; Tuberous sclerosis 2. Last evaluated: 2024-01-04. Review status: criteria provided, single submitter. Criteria: ACMG Guidelines, 2015. Collection method: clinical testing. Allele origin: germline.

All of Us Research Program, National Institutes of Health
Classification: Uncertain significance for Tuberous sclerosis syndrome. Last evaluated: 2023-10-30. Review status: criteria provided, single submitter. Criteria: ACMG Guidelines, 2015. Collection method: clinical testing. Allele origin: germline. Inheritance: Autosomal dominant inheritance. Observed: 2 variant alleles, 2 heterozygotes.
Comment: This missense variant replaces proline with leucine at codon 677 of the TSC2 protein. Computational prediction suggests that this variant may not impact protein structure and function (internally defined REVEL score threshold <= 0.5, PMID: 27666373). To our knowledge, functional studies have not been reported for this variant. This variant has not been reported in individuals affected with tuberous sclerosis complex in the literature. This variant has been identified in 1/207326 chromosomes in the general population by the Genome Aggregation Database (gnomAD). The available evidence is insufficient to determine the role of this variant in disease conclusively. Therefore, this variant is classified as a Variant of Uncertain Significance.

This study involves interpretation of variants in research participants for the purpose of population health screening. Participant phenotype was not available at the time of variant classification. Additional details can be found in publication PMID: 35346344, PMCID: PMC8962531

Ambry Genetics
Classification: Likely benign for Hereditary cancer-predisposing syndrome. Last evaluated: 2021-12-17. Review status: criteria provided, single submitter. Criteria: Ambry Variant Classification Scheme 2023. Collection method: clinical testing. Allele origin: germline.

Genome-Nilou Lab
Classification: Likely benign for Tuberous sclerosis 2. Last evaluated: 2021-11-07. Review status: criteria provided, single submitter. Criteria: ACMG Guidelines, 2015. Collection method: clinical testing. Allele origin: germline. Affected: no.

GeneDx
Classification: Likely benign. Last evaluated: 2016-03-06. Review status: criteria provided, single submitter. Criteria: GeneDx Variant Classification (06012015). Collection method: clinical testing. Allele origin: germline. Affected: yes.
Comment: This variant is considered likely benign or benign based on one or more of the following criteria: it is a conservative change, it occurs at a poorly conserved position in the protein, it is predicted to be benign by multiple in silico algorithms, and/or has population frequency not consistent with disease.